The following is an entry in ClinVar:

ClinVar aggregate classification (germline): Uncertain significance (1 of 4 stars; one submission).

Conditions:
Hypertrophic cardiomyopathy. Also called: HYPERTROPHIC MYOCARDIOPATHY. Identifiers: Orphanet 217569, MedGen C0007194, MeSH D002312, MONDO:0005045, HP:0001639.

Submission:

Labcorp Genetics (formerly Invitae), Labcorp
Classification: Uncertain significance for Hypertrophic cardiomyopathy. Last evaluated: 2022-11-14. Review status: criteria provided, single submitter. Criteria: Invitae Variant Classification Sherloc (09022015). Collection method: clinical testing. Allele origin: germline.
Comment: This variant has not been reported in the literature in individuals affected with MYH7-related conditions. ClinVar contains an entry for this variant (Variation ID: 835570). Advanced modeling of protein sequence and biophysical properties (such as structural, functional, and spatial information, amino acid conservation, physicochemical variation, residue mobility, and thermodynamic stability) performed at Invitae indicates that this missense variant is expected to disrupt MYH7 protein function. In summary, the available evidence is currently insufficient to determine the role of this variant in disease. Therefore, it has been classified as a Variant of Uncertain Significance. This variant is not present in population databases (gnomAD no frequency). This sequence change replaces alanine, which is neutral and non-polar, with threonine, which is neutral and polar, at codon 229 of the MYH7 protein (p.Ala229Thr).

NM_000257.4(MYH7):c.685G>A (p.Ala229Thr)

Gene: MYH7 (myosin heavy chain 7; minus strand). Cytogenetic location: 14q11.2.
Variant type: single nucleotide variant.
Coding change: c.685G>A on transcript NM_000257.4 (MANE Select); coding-DNA position 685, G replaced by A.
Protein change: p.Ala229Thr; replaces alanine 229 with threonine.
Molecular consequence: missense variant.
Genome position (GRCh38, 1-based): chr14:23,431,632, C>T on the plus strand (G>A on the coding strand, the complement: MYH7 is on the minus strand). VCF-style: chr14-23431632-C-T. GRCh37 (hg19) VCF-style: chr14-23900841-C-T.
Other names: short protein forms A229T.
Identifiers: ClinVar variation 835570 (VCV000835570.9), dbSNP rs1892945595, ClinGen allele CA389052261.
Genomic context (GRCh38, chr14:23,431,632, plus strand): 5'-AGGGACCACTCACGAAGCGGGAGGAGTTGTCGTTCCGGACGGTCTTGGCATTGCCAAAGG[C>T]CTCCAGAGCAGGGTTGGCCTGGATGATCTGGTCCTCCAGGGTGCCCTGCAGAGGCCAAGA-3'
Protein context (NP_000248.2, residues 219-239): QIIQANPALE[Ala229Thr]FGNAKTVRND